The following is an entry in ClinVar:

NM_080425.4(GNAS):c.1299_1334dup (p.Pro447_Asp448insAlaAlaProAlaAspProAspSerGlyAlaAlaPro)

Gene: GNAS (GNAS complex locus; plus strand). Cytogenetic location: 20q13.32.
Variant type: Duplication.
Coding change: c.1299_1334dup on transcript NM_080425.4 (MANE Plus Clinical); coding-DNA positions 1299 to 1334, 36 bases duplicated.
Protein change: p.Pro447_Asp448insAlaAlaProAlaAspProAspSerGlyAlaAlaPro.
Molecular consequence: inframe insertion. On other transcripts: intron variant (3).
Genome position (GRCh38, 1-based): chr20:58,854,564-58,854,599, 36 bases duplicated; duplicating any 36 consecutive bases within chr20:58,854,542-58,854,599 gives the same sequence; the c. name uses the placement nearest the transcript's 3' end. GRCh37 (hg19): chr20:57,429,619-57,429,654.
Other names: c.1112_1147dup, p.Gly382_Arg383insGlnProLeuProProGlnProIleProThrProGly (NM_001077490.3, NM_001309883.1); c.1299_1334dup, p.Pro447_Asp448insAlaAlaProAlaAspProAspSerGlyAlaAlaPro (NM_001410913.1); c.*42+13678_*42+13713dup (NM_016592.5); c.43+13678_43+13713dup (NM_001410912.1); c.-39+12689_-39+12724dup (NM_001309861.2).
Identifiers: ClinVar variation 4984910 (VCV004984910.1).

ClinVar aggregate classification (germline): Uncertain significance (1 of 4 stars; one submission).

Conditions:
GNAS-related disorder. Identifiers: MedGen CN380105.

Submission:

PreventionGenetics, part of Exact Sciences
Classification: Uncertain significance for GNAS-related condition. Last evaluated: 2025-10-28. Review status: criteria provided, single submitter. Criteria: ACMG Guidelines, 2015. Collection method: clinical testing. Allele origin: germline.
Comment: The GNAS c.1299_1334dup36 variant is predicted to result in an in-frame duplication (p.Ala436_Pro447dup). To our knowledge, this variant has not been reported in the literature or in a large population database (gnomAD), indicating this variant is rare. At this time, the clinical significance of this variant is uncertain due to the absence of conclusive functional and genetic evidence.